The following is an entry in ClinVar:

ClinVar aggregate classification (germline): Uncertain significance (1 of 4 stars; one submission).

Submission:

GeneDx
Classification: Uncertain significance. Last evaluated: 2023-11-12. Review status: criteria provided, single submitter. Criteria: GeneDx Variant Classification Process June 2021. Collection method: clinical testing. Allele origin: germline. Affected: yes.
Comment: Not observed at significant frequency in large population cohorts (gnomAD); In silico analysis supports that this missense variant has a deleterious effect on protein structure/function; Has not been previously published as pathogenic or benign to our knowledge

NM_001206744.2(TPO):c.1310C>A (p.Ala437Glu)

Gene: TPO (thyroid peroxidase; plus strand). Cytogenetic location: 2p25.3.
Variant type: single nucleotide variant.
Coding change: c.1310C>A on transcript NM_001206744.2 (MANE Select); coding-DNA position 1310, C replaced by A.
Protein change: p.Ala437Glu; replaces alanine 437 with glutamic acid.
Molecular consequence: missense variant. On other transcripts: intron variant (1).
Genome position (GRCh38, 1-based): chr2:1,477,576, C>A. VCF-style: chr2-1477576-C-A. GRCh37 (hg19) VCF-style: chr2-1481348-C-A.
Other names: c.1310C>A, p.Ala437Glu (NM_000547.6, NM_001206745.2, NM_175719.4 and 1 more transcripts); c.820-7020C>A (NM_175722.3); short protein forms A437E.
Identifiers: ClinVar variation 3364170 (VCV003364170.1).